The following is an entry in ClinVar:

ClinVar aggregate classification (germline): Uncertain significance. Review status: criteria provided, multiple submitters, no conflicts (2 of 4 stars). 2 submissions from 2 submitters: Uncertain significance (2). Last evaluated 2024-02-23.

Allele frequency attached by ClinVar (database versions not stated): gnomAD exomes below 0.00001; TOPMed below 0.00001; gnomAD 0.00001.
gnomAD v4.1: 6 of 1,613,860 alleles (0.00037%); highest among the groups gnomAD compares: Middle Eastern, 0.016%; no homozygotes.

Submissions (2):

GeneDx
Classification: Uncertain significance. Last evaluated: 2024-02-23. Review status: criteria provided, single submitter. Criteria: GeneDx Variant Classification Process June 2021. Collection method: clinical testing. Allele origin: germline. Affected: yes.
Comment: Not observed at significant frequency in large population cohorts (gnomAD); In silico analysis supports that this missense variant does not alter protein structure/function; Has not been previously published as pathogenic or benign to our knowledge

Labcorp Genetics (formerly Invitae), Labcorp
Classification: Uncertain significance. Last evaluated: 2021-09-01. Review status: criteria provided, single submitter. Criteria: Invitae Variant Classification Sherloc (09022015). Collection method: clinical testing. Allele origin: germline.
Comment: This sequence change replaces isoleucine with valine at codon 945 of the PCDH15 protein (p.Ile945Val). The isoleucine residue is highly conserved and there is a small physicochemical difference between isoleucine and valine. This variant is not present in population databases (ExAC no frequency). This variant has not been reported in the literature in individuals affected with PCDH15-related conditions. Algorithms developed to predict the effect of missense changes on protein structure and function output the following: SIFT: "Tolerated"; PolyPhen-2: "Benign"; Align-GVGD: "Class C0". The valine amino acid residue is found in multiple mammalian species, which suggests that this missense change does not adversely affect protein function. In summary, the available evidence is currently insufficient to determine the role of this variant in disease. Therefore, it has been classified as a Variant of Uncertain Significance.

NM_001384140.1(PCDH15):c.2833A>G (p.Ile945Val)

Gene: PCDH15 (protocadherin related 15; minus strand). Cytogenetic location: 10q21.1.
Variant type: single nucleotide variant.
Coding change: c.2833A>G on transcript NM_001384140.1 (MANE Select); coding-DNA position 2833, A replaced by G.
Protein change: p.Ile945Val; replaces isoleucine 945 with valine.
Molecular consequence: missense variant.
Genome position (GRCh38, 1-based): chr10:53,995,684, T>C on the plus strand (A>G on the coding strand, the complement: PCDH15 is on the minus strand). VCF-style: chr10-53995684-T-C. GRCh37 (hg19) VCF-style: chr10-55755444-T-C.
Other names: c.2848A>G, p.Ile950Val (NM_001142763.2, NM_001142771.2); c.2833A>G, p.Ile945Val (NM_001142764.2, NM_001142766.2, NM_001142770.3 and 5 more transcripts); c.2620A>G, p.Ile874Val (NM_001142765.2); c.2722A>G, p.Ile908Val (NM_001142767.2); c.2767A>G, p.Ile923Val (NM_001142768.2, NM_001142773.2, NM_001354404.2); c.2869A>G, p.Ile957Val (NM_001142769.4); c.2854A>G, p.Ile952Val (NM_001354411.2); short protein forms I874V, I908V, I923V, I945V, I950V, I952V, I957V.
Identifiers: ClinVar variation 1058295 (VCV001058295.7), dbSNP rs773566320, ClinGen allele CA207174013.
Genomic context (GRCh38, chr10:53,995,684, plus strand): 5'-ATATTAATCAATGCCTTCTACTTACAGGAGGGTCTGCATCTTCAGCATAAACTGTTGTGA[T>C]AGGTGTACCCTTGACTGCATCCGGAGCCACCATCCCTTTGTATATTCGTTTACTAAAGAC-3'
Protein context (NP_001371069.1, residues 935-955): VAPDAVKGTP[Ile945Val]TTVYAEDADP